The following is an entry in ClinVar:

NM_002691.4(POLD1):c.268C>A (p.Gln90Lys)

Gene: POLD1 (DNA polymerase delta 1, catalytic subunit; plus strand). Cytogenetic location: 19q13.33.
Variant type: single nucleotide variant.
Coding change: c.268C>A on transcript NM_002691.4 (MANE Select); coding-DNA position 268, C replaced by A.
Protein change: p.Gln90Lys; replaces glutamine 90 with lysine.
Molecular consequence: missense variant. On other transcripts: non-coding transcript variant (1).
Genome position (GRCh38, 1-based): chr19:50,399,436, C>A. VCF-style: chr19-50399436-C-A. GRCh37 (hg19) VCF-style: chr19-50902693-C-A.
Other names: c.268C>A, p.Gln90Lys (NM_001256849.1, NM_001308632.1); short protein forms Q90K.
Identifiers: ClinVar variation 3308314 (VCV003308314.1).
Genomic context (GRCh38, chr19:50,399,436, plus strand): 5'-GTCCCACCATCAGCCATAGATCCTCGCTGGCTTCGGCCCACACCACCAGCGCTGGACCCC[C>A]AGACAGAGCCCCTCATCTTCCAACAGTTGGAGATTGACCATTATGTGGGTGAGTTTAGGG-3'
Protein context (NP_002682.2, residues 80-100): LRPTPPALDP[Gln90Lys]TEPLIFQQLE

ClinVar aggregate classification (germline): Uncertain significance (1 of 4 stars; one submission).

Conditions:
Hereditary cancer-predisposing syndrome. Also called: Tumor predisposition; Hereditary Cancer Syndrome; Hereditary neoplastic syndrome; Neoplastic Syndromes, Hereditary. Identifiers: Orphanet 140162, MedGen C0027672, MeSH D009386, MONDO:0015356.

Submission:

Ambry Genetics
Classification: Uncertain significance for Hereditary cancer-predisposing syndrome. Last evaluated: 2024-06-22. Review status: criteria provided, single submitter. Criteria: Ambry Variant Classification Scheme 2023. Collection method: clinical testing. Allele origin: germline.
Comment: The p.Q90K variant (also known as c.268C>A), located in coding exon 2 of the POLD1 gene, results from a C to A substitution at nucleotide position 268. The glutamine at codon 90 is replaced by lysine, an amino acid with similar properties. This amino acid position is conserved. In addition, this alteration is predicted to be tolerated by in silico analysis. Based on the available evidence, the clinical significance of this variant remains unclear.